The following is an entry in ClinVar:

ClinVar aggregate classification (germline): Likely benign (1 of 4 stars; one submission).

Submission:

CeGaT Center for Human Genetics Tuebingen
Classification: Likely benign. Last evaluated: 2023-02-01. Review status: criteria provided, single submitter. Criteria: CeGaT Center For Human Genetics Tuebingen Variant Classification Criteria Version 2. Collection method: clinical testing. Allele origin: germline. Affected: yes. Observed: 1 variant allele.
Comment: PRKN: PM2:Supporting, BP4, BP7

NM_004562.3(PRKN):c.1317C>A (p.Pro439=)

Gene: PRKN (parkin RBR E3 ubiquitin protein ligase; minus strand). Cytogenetic location: 6q26.
Variant type: single nucleotide variant.
Coding change: c.1317C>A on transcript NM_004562.3 (MANE Select); coding-DNA position 1317, C replaced by A.
Protein change: p.Pro439=; no amino-acid change (proline 439 retained).
Molecular consequence: synonymous variant.
Genome position (GRCh38, 1-based): chr6:161,350,180, G>T on the plus strand (C>A on the coding strand, the complement: PRKN is on the minus strand). VCF-style: chr6-161350180-G-T. GRCh37 (hg19) VCF-style: chr6-161771212-G-T.
Other names: c.1233C>A, p.Pro411= (NM_013987.3); c.870C>A, p.Pro290= (NM_013988.3).
Identifiers: ClinVar variation 2657121 (VCV002657121.24), dbSNP rs1295020071, ClinGen allele CA453046221.